The following is an entry in ClinVar:

ClinVar aggregate classification (germline): Uncertain significance (1 of 4 stars; one submission).

Conditions:
Alzheimer disease 9. Also called: ALZHEIMER DISEASE 9, SUSCEPTIBILITY TO; ALZHEIMER DISEASE 9, LATE-ONSET. Identifiers: MedGen C4282179, MONDO:0012153, OMIM 608907.

gnomAD v4.1: 20 of 1,604,232 alleles (0.0012%); highest among the groups gnomAD compares: Admixed American, 0.0068%; no homozygotes.

Submission:

3billion
Classification: Uncertain significance for Alzheimer disease 9. Last evaluated: 2025-07-18. Review status: criteria provided, single submitter. Criteria: ACMG Guidelines, 2015. Collection method: clinical testing. Allele origin: germline. Affected: yes.
Comment: The variant is observed at an extremely low frequency in the gnomAD v4.1.0 dataset (total allele frequency: 0.001%). Predicted Consequence/Location: Canonical splice site: predicted to alter splicing and result in a loss or disruption of normal protein function. Multiple pathogenic loss-of-function variants are reported downstream of the variant. In silico tools predict the variant to alter splicing and produce an abnormal transcript [SpliceAI: 1.00 (spliceogenicity >=0.2, non-spliceogenicity <0.1)]. Therefore, this variant is classified as Risk allele according to the recommendation of ACMG/AMP guideline.

NM_019112.4(ABCA7):c.3852-2A>C

Gene: ABCA7 (ATP binding cassette subfamily A member 7; plus strand). Cytogenetic location: 19p13.3.
Variant type: single nucleotide variant.
Coding change: c.3852-2A>C on transcript NM_019112.4 (MANE Select); the canonical splice acceptor site of the intron before coding-DNA position 3852, A replaced by C.
Molecular consequence: splice acceptor variant.
Genome position (GRCh38, 1-based): chr19:1,054,778, A>C. VCF-style: chr19-1054778-A-C. GRCh37 (hg19) VCF-style: chr19-1054777-A-C.
Identifiers: ClinVar variation 4855275 (VCV004855275.1).